The following is an entry in ClinVar:

NM_000553.6(WRN):c.1458G>A (p.Thr486=)

Gene: WRN (WRN RecQ like helicase; plus strand). Cytogenetic location: 8p12.
Variant type: single nucleotide variant.
Coding change: c.1458G>A on transcript NM_000553.6 (MANE Select); coding-DNA position 1458, G replaced by A.
Protein change: p.Thr486=; no amino-acid change (threonine 486 retained).
Molecular consequence: synonymous variant.
Genome position (GRCh38, 1-based): chr8:31,087,802, G>A. VCF-style: chr8-31087802-G-A. GRCh37 (hg19) VCF-style: chr8-30945318-G-A.
Identifiers: ClinVar variation 766767 (VCV000766767.22), dbSNP rs764818941, ClinGen allele CA174863520.

ClinVar aggregate classification (germline): Likely benign. Review status: criteria provided, multiple submitters, no conflicts (2 of 4 stars). 2 submissions from 2 submitters: Likely benign (2). Last evaluated 2025-01-01.

Conditions:
Werner syndrome (WRN). Identifiers: Orphanet 902, MedGen C0043119, MONDO:0010196, OMIM 277700.

Allele frequency attached by ClinVar (database versions not stated): TOPMed 0.00001.
gnomAD v4.1: 23 of 1,613,348 alleles (0.0014%); highest among the groups gnomAD compares: African/African-American, 0.004%; no homozygotes.

Submissions (2):

CeGaT Center for Human Genetics Tuebingen
Classification: Likely benign. Last evaluated: 2025-01-01. Review status: criteria provided, single submitter. Criteria: CeGaT Center For Human Genetics Tuebingen Variant Classification Criteria Version 2. Collection method: clinical testing. Allele origin: germline. Affected: yes. Observed: 1 variant allele.
Comment: WRN: BP4, BP7

Labcorp Genetics (formerly Invitae), Labcorp
Classification: Likely benign for Werner syndrome. Last evaluated: 2024-01-03. Review status: criteria provided, single submitter. Criteria: Invitae Variant Classification Sherloc (09022015). Collection method: clinical testing. Allele origin: germline.